The following is an entry in ClinVar:

ClinVar aggregate classification (germline): Uncertain significance (1 of 4 stars; one submission).

Conditions:
PCNT-related disorder. Also called: PCNT-related condition.

gnomAD v4.1: 2 of 1,609,762 alleles (0.00012%); highest among the groups gnomAD compares: Non-Finnish European, 0.00017%; no homozygotes.

Submission:

PreventionGenetics, part of Exact Sciences
Classification: Uncertain significance for PCNT-related condition. Last evaluated: 2024-12-26. Review status: criteria provided, single submitter. Criteria: ACMG Guidelines, 2015. Collection method: clinical testing. Allele origin: germline.
Comment: The PCNT c.4589A>C variant is predicted to result in the amino acid substitution p.Glu1530Ala. To our knowledge, this variant has not been reported in the literature. This variant is reported in 0.0065% of alleles in individuals of European (Non-Finnish) descent in gnomAD. At this time, the clinical significance of this variant is uncertain due to the absence of conclusive functional and genetic evidence.

NM_006031.6(PCNT):c.4589A>C (p.Glu1530Ala)

Gene: PCNT (pericentrin; plus strand). Cytogenetic location: 21q22.3.
Variant type: single nucleotide variant.
Coding change: c.4589A>C on transcript NM_006031.6 (MANE Select); coding-DNA position 4589, A replaced by C.
Protein change: p.Glu1530Ala; replaces glutamic acid 1530 with alanine.
Molecular consequence: missense variant.
Genome position (GRCh38, 1-based): chr21:46,399,594, A>C. VCF-style: chr21-46399594-A-C. GRCh37 (hg19) VCF-style: chr21-47819508-A-C.
Other names: c.4235A>C, p.Glu1412Ala (NM_001315529.2); short protein forms E1412A, E1530A.
Identifiers: ClinVar variation 4995073 (VCV004995073.1).